The following is an entry in ClinVar:

NM_003000.3(SDHB):c.392C>T (p.Pro131Leu)

Gene: SDHB (succinate dehydrogenase complex iron sulfur subunit B; minus strand). Cytogenetic location: 1p36.13.
Variant type: single nucleotide variant.
Coding change: c.392C>T on transcript NM_003000.3 (MANE Select); coding-DNA position 392, C replaced by T.
Protein change: p.Pro131Leu; replaces proline 131 with leucine.
Molecular consequence: missense variant.
Genome position (GRCh38, 1-based): chr1:17,028,631, G>A on the plus strand (C>T on the coding strand, the complement: SDHB is on the minus strand). VCF-style: chr1-17028631-G-A. GRCh37 (hg19) VCF-style: chr1-17355126-G-A.
Other names: c.392C>T (NM_003000.2); short protein forms P131L.
Identifiers: ClinVar variation 1394716 (VCV001394716.9), dbSNP rs2101523036, ClinGen allele CA338274230.

ClinVar aggregate classification (germline): Uncertain significance. Review status: criteria provided, multiple submitters, no conflicts (2 of 4 stars). 3 submissions from 3 submitters: Uncertain significance (3). Last evaluated 2026-04-03.

Conditions:
Pheochromocytoma. Also called: MAX-Related Hereditary Paraganglioma-Pheochromocytoma Syndrome. Identifiers: Orphanet 29072, MedGen C0031511, MONDO:0008233, OMIM 171300, HP:0002666.
Pheochromocytoma/paraganglioma syndrome 4. Also called: CAROTID BODY TUMORS AND MULTIPLE EXTRAADRENAL PHEOCHROMOCYTOMAS; PARAGANGLIOMA, FAMILIAL MALIGNANT; PARAGANGLIOMAS, HEREDITARY EXTRAADRENAL; PHEOCHROMOCYTOMA, FAMILIAL EXTRAADRENAL; Paragangliomas 4; SDHB-Related Hereditary Paraganglioma-Pheochromocytoma Syndrome (Paragangliomas 4). Identifiers: Orphanet 29072, MedGen C1861848, MONDO:0007273, OMIM 115310.
Gastrointestinal stromal tumor. Also called: Gastrointestinal stroma tumor; Gastrointestinal stromal tumor, somatic. Identifiers: Orphanet 44890, MedGen C0238198, MeSH D046152, MONDO:0011719, OMIM 606764, HP:0100723.
Hereditary cancer-predisposing syndrome. Also called: Tumor predisposition; Hereditary Cancer Syndrome; Hereditary neoplastic syndrome; Neoplastic Syndromes, Hereditary. Identifiers: Orphanet 140162, MedGen C0027672, MeSH D009386, MONDO:0015356.
Hereditary pheochromocytoma and paraganglioma. Also called: Hereditary paragangliomas and pheochromocytomas; Hereditary Paraganglioma-Pheochromocytoma Syndromes; Hereditary pheochromocytoma-paraganglioma. Identifiers: Orphanet 29072, MedGen C4274332, MONDO:0017366.

Submissions (3):

Ambry Genetics
Classification: Uncertain significance for Hereditary cancer-predisposing syndrome. Last evaluated: 2026-04-03. Review status: criteria provided, single submitter. Criteria: Ambry Variant Classification Scheme 2023. Collection method: clinical testing. Allele origin: germline.
Comment: The p.P131L variant (also known as c.392C>T), located in coding exon 4 of the SDHB gene, results from a C to T substitution at nucleotide position 392. The proline at codon 131 is replaced by leucine, an amino acid with similar properties. This amino acid position is conserved. In addition, this alteration is predicted to be deleterious by in silico analysis. Based on the available evidence, the clinical significance of this variant remains unclear.

All of Us Research Program, National Institutes of Health
Classification: Uncertain significance for Hereditary pheochromocytoma and paraganglioma. Last evaluated: 2024-02-05. Review status: criteria provided, single submitter. Criteria: ACMG Guidelines, 2015. Collection method: clinical testing. Allele origin: germline. Inheritance: Autosomal dominant inheritance. Observed: 1 variant allele, 1 heterozygote.
Comment: This missense variant replaces proline with leucine at codon 131 of the SDHB protein. Computational prediction suggests that this variant may have deleterious impact on protein structure and function (internally defined REVEL score threshold >= 0.7, PMID: 27666373). To our knowledge, functional studies have not been reported for this variant. This variant has not been reported in individuals affected with SDHB-related disorders in the literature. This variant has not been identified in the general population by the Genome Aggregation Database (gnomAD). The available evidence is insufficient to determine the role of this variant in disease conclusively. Therefore, this variant is classified as a Variant of Uncertain Significance.

This study involves interpretation of variants in research participants for the purpose of population health screening. Participant phenotype was not available at the time of variant classification. Additional details can be found in publication PMID: 35346344, PMCID: PMC8962531

Labcorp Genetics (formerly Invitae), Labcorp
Classification: Uncertain significance for Gastrointestinal stromal tumor; Pheochromocytoma/paraganglioma syndrome 4; Pheochromocytoma. Last evaluated: 2021-11-23. Review status: criteria provided, single submitter. Criteria: Invitae Variant Classification Sherloc (09022015). Collection method: clinical testing. Allele origin: germline.
Comment: In summary, the available evidence is currently insufficient to determine the role of this variant in disease. Therefore, it has been classified as a Variant of Uncertain Significance. Advanced modeling of protein sequence and biophysical properties (such as structural, functional, and spatial information, amino acid conservation, physicochemical variation, residue mobility, and thermodynamic stability) performed at Invitae indicates that this missense variant is expected to disrupt SDHB protein function. This variant has not been reported in the literature in individuals affected with SDHB-related conditions. This variant is not present in population databases (gnomAD no frequency). This sequence change replaces proline, which is neutral and non-polar, with leucine, which is neutral and non-polar, at codon 131 of the SDHB protein (p.Pro131Leu).